The following is an entry in ClinVar:

NM_001082486.2(ACD):c.-30C>G

Gene: ACD (ACD shelterin complex subunit and telomerase recruitment factor; minus strand). Cytogenetic location: 16q22.1.
Variant type: single nucleotide variant.
Coding change: c.-30C>G on transcript NM_001082486.2 (MANE Select); 30 bases upstream of the start codon, C replaced by G.
Molecular consequence: 5 prime UTR variant.
Genome position (GRCh38, 1-based): chr16:67,660,250, G>C on the plus strand (C>G on the coding strand, the complement: ACD is on the minus strand). VCF-style: chr16-67660250-G-C. GRCh37 (hg19) VCF-style: chr16-67694153-G-C.
Other names: c.-30C>G (NM_001410884.1, NM_022914.3).
Identifiers: ClinVar variation 2447161 (VCV002447161.2), dbSNP rs2052979977, ClinGen allele CA396359327.

ClinVar aggregate classification (germline): Uncertain significance (1 of 4 stars; one submission).

Conditions:
Inborn genetic diseases. Identifiers: MedGen C0950123, MeSH D030342.

Allele frequency attached by ClinVar (database versions not stated): 1000 Genomes Project 30x 0.00016.
gnomAD v4.1: 2 of 1,612,522 alleles (0.00012%); no homozygotes.

Submission:

Ambry Genetics
Classification: Uncertain significance for Inborn genetic diseases. Last evaluated: 2022-12-17. Review status: criteria provided, single submitter. Criteria: Ambry Variant Classification Scheme 2023. Collection method: clinical testing. Allele origin: germline.
Comment: The p.P77A variant (also known as c.229C>G), located in coding exon 1 of the ACD gene, results from a C to G substitution at nucleotide position 229. The proline at codon 77 is replaced by alanine, an amino acid with highly similar properties. This amino acid position is conserved. In addition, this alteration is predicted to be tolerated by in silico analysis. Since supporting evidence is limited at this time, the clinical significance of this alteration remains unclear.